The following is an entry in ClinVar:

ClinVar aggregate classification (germline): Conflicting classifications of pathogenicity. Review status: criteria provided, conflicting classifications (1 of 4 stars). 3 submissions from 3 submitters: Uncertain significance (2); Likely benign (1). Last evaluated 2025-08-15.

Conditions:
Hereditary cancer-predisposing syndrome. Also called: Hereditary Cancer Syndrome; Hereditary neoplastic syndrome; Neoplastic Syndromes, Hereditary; Tumor predisposition. Identifiers: Orphanet 140162, MedGen C0027672, MeSH D009386, MONDO:0015356.
Hereditary breast ovarian cancer syndrome. Also called: Hereditary breast and ovarian cancer; BRCA1- and BRCA2-Associated Hereditary Breast and Ovarian Cancer; Hereditary breast and ovarian cancer syndrome (HBOC); Hereditary breast and ovarian cancer syndrome; Breast and ovarian cancer; Hereditary breast and/or ovarian cancer syndrome. Identifiers: Orphanet 145, MedGen C0677776, MeSH D061325, MONDO:0003582. Disease mechanism: loss of function.

Allele frequency attached by ClinVar (database versions not stated): gnomAD exomes below 0.00001.
gnomAD v4.1: 3 of 1,613,684 alleles (0.00019%); highest among the groups gnomAD compares: Non-Finnish European, 0.00025%; no homozygotes.

Submissions (3):

Ambry Genetics
Classification: Uncertain significance for Hereditary cancer-predisposing syndrome. Last evaluated: 2025-08-15. Review status: criteria provided, single submitter. Criteria: Ambry Variant Classification Scheme 2023. Collection method: clinical testing. Allele origin: germline.
Comment: The p.F1921S variant (also known as c.5762T>C), located in coding exon 10 of the BRCA2 gene, results from a T to C substitution at nucleotide position 5762. The phenylalanine at codon 1921 is replaced by serine, an amino acid with highly dissimilar properties. This amino acid position is not well conserved in available vertebrate species. In addition, this alteration is predicted to be tolerated by in silico analysis. Since supporting evidence is limited at this time, the clinical significance of this alteration remains unclear.

Labcorp Genetics (formerly Invitae), Labcorp
Classification: Uncertain significance for Hereditary breast ovarian cancer syndrome. Last evaluated: 2024-10-20. Review status: criteria provided, single submitter. Criteria: Invitae Variant Classification Sherloc (09022015). Collection method: clinical testing. Allele origin: germline.
Comment: This sequence change replaces phenylalanine, which is neutral and non-polar, with serine, which is neutral and polar, at codon 1921 of the BRCA2 protein (p.Phe1921Ser). This variant is not present in population databases (gnomAD no frequency). This variant has not been reported in the literature in individuals affected with BRCA2-related conditions. ClinVar contains an entry for this variant (Variation ID: 1749495). Invitae Evidence Modeling of protein sequence and biophysical properties (such as structural, functional, and spatial information, amino acid conservation, physicochemical variation, residue mobility, and thermodynamic stability) indicates that this missense variant is not expected to disrupt BRCA2 protein function with a negative predictive value of 95%. In summary, the available evidence is currently insufficient to determine the role of this variant in disease. Therefore, it has been classified as a Variant of Uncertain Significance.

University of Washington Department of Laboratory Medicine, University of Washington
Classification: Likely benign for Hereditary cancer-predisposing syndrome. Last evaluated: 2023-03-23. Review status: criteria provided, single submitter. Criteria: Dines et al. (Genet Med. 2020). Collection method: curation. Allele origin: germline.
Comment: Missense variant in a coldspot region where missense variants are very unlikely to be pathogenic (PMID:31911673).

BRCA2 exon 11 coldspot. Reclassification based on statistical prior probability.

NM_000059.4(BRCA2):c.5762T>C (p.Phe1921Ser)

Gene: BRCA2 (BRCA2 DNA repair associated; plus strand). Cytogenetic location: 13q13.1.
Variant type: single nucleotide variant.
Coding change: c.5762T>C on transcript NM_000059.4 (MANE Select); coding-DNA position 5762, T replaced by C.
Protein change: p.Phe1921Ser; replaces phenylalanine 1921 with serine.
Molecular consequence: missense variant.
Genome position (GRCh38, 1-based): chr13:32,340,117, T>C. VCF-style: chr13-32340117-T-C. GRCh37 (hg19) VCF-style: chr13-32914254-T-C.
Other names: c.5762T>C, p.Phe1921Ser (NM_001406719.1, NM_001406720.1); short protein forms F1921S.
Identifiers: ClinVar variation 1749495 (VCV001749495.11), dbSNP rs2137520687, ClinGen allele CA387787074.
Genomic context (GRCh38, chr13:32,340,117, plus strand): 5'-AGGATATTCTTCATAACTCTCTAGATAATGATGAATGTAGCACGCATTCACATAAGGTTT[T>C]TGCTGACATTCAGAGTGAAGAAATTTTACAACATAACCAAAATATGTCTGGATTGGAGAA-3'
Protein context (NP_000050.3, residues 1911-1931): DECSTHSHKV[Phe1921Ser]ADIQSEEILQ